The following is an entry in ClinVar:

NM_000038.6(APC):c.1354G>T (p.Val452Phe)

Gene: APC (APC regulator of Wnt signaling pathway; plus strand). Cytogenetic location: 5q22.2.
Variant type: single nucleotide variant.
Coding change: c.1354G>T on transcript NM_000038.6 (MANE Select); coding-DNA position 1354, G replaced by T.
Protein change: p.Val452Phe; replaces valine 452 with phenylalanine.
Molecular consequence: missense variant.
Genome position (GRCh38, 1-based): chr5:112,821,937, G>T. VCF-style: chr5-112821937-G-T. GRCh37 (hg19) VCF-style: chr5-112157634-G-T.
Other names: c.1354G>T, p.Val452Phe (NM_001127510.3, NM_001354895.2, NM_001354896.2); c.1300G>T, p.Val434Phe (NM_001127511.3); c.1384G>T, p.Val462Phe (NM_001354897.2); c.1279G>T, p.Val427Phe (NM_001354898.2); c.1270G>T, p.Val424Phe (NM_001354899.2); c.1177G>T, p.Val393Phe (NM_001354900.2, NM_001354901.2); c.1081G>T, p.Val361Phe (NM_001354902.2); c.1051G>T, p.Val351Phe (NM_001354903.2); and 4 more; short protein forms V393F, V427F, V361F, V169F, V424F, V452F, V292F, V326F.
Identifiers: ClinVar variation 1040326 (VCV001040326.11), dbSNP rs1763179502, ClinGen allele CA16024269.
Genomic context (GRCh38, chr5:112,821,937, plus strand): 5'-TGTTGATTTTATTTTTCAGTGCCAGCTCCTGTTGAACATCAGATCTGTCCTGCTGTGTGT[G>T]TTCTAATGAAACTTTCATTTGATGAAGAGCATAGACATGCAATGAATGAACTAGGTAAGA-3'
Protein context (NP_000029.2, residues 442-462): VEHQICPAVC[Val452Phe]LMKLSFDEEH

ClinVar aggregate classification (germline): Uncertain significance. Review status: criteria provided, multiple submitters, no conflicts (2 of 4 stars). 2 submissions from 2 submitters: Uncertain significance (2). Last evaluated 2026-02-20.

Conditions:
Familial adenomatous polyposis 1 (FAP1). Also called: FAMILIAL ADENOMATOUS POLYPOSIS 1, ATTENUATED; POLYPOSIS, ADENOMATOUS INTESTINAL. Identifiers: MedGen C2713442, MONDO:0021056, OMIM 175100. Disease mechanism: loss of function.
Hereditary cancer-predisposing syndrome. Also called: Hereditary Cancer Syndrome; Neoplastic Syndromes, Hereditary; Tumor predisposition; Hereditary neoplastic syndrome. Identifiers: Orphanet 140162, MedGen C0027672, MeSH D009386, MONDO:0015356.

Submissions (2):

Ambry Genetics
Classification: Uncertain significance for Hereditary cancer-predisposing syndrome. Last evaluated: 2026-02-20. Review status: criteria provided, single submitter. Criteria: Ambry Variant Classification Scheme 2023. Collection method: clinical testing. Allele origin: germline.
Comment: The p.V452F variant (also known as c.1354G>T), located in coding exon 10 of the APC gene, results from a G to T substitution at nucleotide position 1354. The valine at codon 452 is replaced by phenylalanine, an amino acid with highly similar properties. This amino acid position is conserved. In addition, in silico predictors for this gene do not accurately predict pathogenicity. Based on the available evidence, the clinical significance of this variant remains unclear.

Labcorp Genetics (formerly Invitae), Labcorp
Classification: Uncertain significance for Familial adenomatous polyposis 1. Last evaluated: 2020-08-23. Review status: criteria provided, single submitter. Criteria: Invitae Variant Classification Sherloc (09022015). Collection method: clinical testing. Allele origin: germline.
Comment: In summary, the available evidence is currently insufficient to determine the role of this variant in disease. Therefore, it has been classified as a Variant of Uncertain Significance. Algorithms developed to predict the effect of missense changes on protein structure and function are either unavailable or do not agree on the potential impact of this missense change (SIFT: "Deleterious"; PolyPhen-2: "Probably Damaging"; Align-GVGD: "Class C0"). This variant has not been reported in the literature in individuals with APC-related conditions. This variant is not present in population databases (ExAC no frequency). This sequence change replaces valine with phenylalanine at codon 452 of the APC protein (p.Val452Phe). The valine residue is highly conserved and there is a small physicochemical difference between valine and phenylalanine.